The following is an entry in ClinVar:

ClinVar aggregate classification (germline): Likely pathogenic (1 of 4 stars; one submission).

Conditions:
Hereditary cancer-predisposing syndrome. Also called: Hereditary Cancer Syndrome; Hereditary neoplastic syndrome; Neoplastic Syndromes, Hereditary; Tumor predisposition. Identifiers: Orphanet 140162, MedGen C0027672, MeSH D009386, MONDO:0015356.

Submission:

Ambry Genetics
Classification: Likely pathogenic for Hereditary cancer-predisposing syndrome. Last evaluated: 2019-04-18. Review status: criteria provided, single submitter. Criteria: Ambry Variant Classification Scheme 2023. Collection method: clinical testing. Allele origin: germline.
Comment: The c.429+1G>T intronic variant results from a G to T substitution one nucleotide after coding exon 2 of the PHOX2B gene. Alterations that disrupt the canonical splice site are expected to cause aberrant splicing, resulting in an abnormal protein or a transcript that is subject to nonsense-mediated mRNA decay; however, this variant occurs at the 3' terminus of PHOX2B and is not expected to trigger nonsense-mediated mRNA decay. This variant impacts at least the last exon of the protein, which includes the polyalanine repeat region. This nucleotide position is highly conserved in available vertebrate species. Using the BDGP and ESEfinder splice site prediction tools, this alteration is predicted to abolish the native splice donor site; however, direct evidence is unavailable. As such, this alteration is classified as likely pathogenic.

NM_003924.4(PHOX2B):c.429+1G>T

Gene: PHOX2B (paired like homeobox 2B; minus strand). Cytogenetic location: 4p13.
Variant type: single nucleotide variant.
Coding change: c.429+1G>T on transcript NM_003924.4 (MANE Select); the canonical splice donor site of the intron after coding-DNA position 429, G replaced by T.
Molecular consequence: splice donor variant.
Genome position (GRCh38, 1-based): chr4:41,747,348, C>A on the plus strand (G>T on the coding strand, the complement: PHOX2B is on the minus strand). VCF-style: chr4-41747348-C-A. GRCh37 (hg19) VCF-style: chr4-41749365-C-A.
Identifiers: ClinVar variation 1739427 (VCV001739427.2), dbSNP rs2552097008, ClinGen allele CA356739714.
Genomic context (GRCh38, chr4:41,747,348, plus strand): 5'-CTCACCCCACACCTCCCCGGACCAGTGCGGCGGAGCGGGGTCGGTTTCCAGGCGCGCGTA[C>A]CTGGACTCGCGCCTCTGTGAGGTCGATCTTCAGGGCCAGCTCCTCCCGAGTGTAGATGTC-3'